The following is an entry in ClinVar:

NM_014208.3(DSPP):c.800C>A (p.Ala267Glu)

Genes: DMP1-AS1 (DMP1 and DSPP antisense RNA 1; minus strand), DSPP (dentin sialophosphoprotein; plus strand). Cytogenetic location: 4q22.1.
Variant type: single nucleotide variant.
Coding change: c.800C>A on transcript NM_014208.3 (MANE Select); coding-DNA position 800, C replaced by A.
Protein change: p.Ala267Glu; replaces alanine 267 with glutamic acid.
Molecular consequence: missense variant.
Genome position (GRCh38, 1-based): chr4:87,612,986, C>A. VCF-style: chr4-87612986-C-A. GRCh37 (hg19) VCF-style: chr4-88534138-C-A.
Other names: short protein forms A267E.
Identifiers: ClinVar variation 3622378 (VCV003622378.2).

ClinVar aggregate classification (germline): Uncertain significance (1 of 4 stars; one submission).

Submission:

Labcorp Genetics (formerly Invitae), Labcorp
Classification: Uncertain significance. Last evaluated: 2024-08-27. Review status: criteria provided, single submitter. Criteria: Invitae Variant Classification Sherloc (09022015). Collection method: clinical testing. Allele origin: germline.
Comment: This sequence change replaces alanine, which is neutral and non-polar, with glutamic acid, which is acidic and polar, at codon 267 of the DSPP protein (p.Ala267Glu). This variant is present in population databases (rs200819405, gnomAD 0.005%). This variant has not been reported in the literature in individuals affected with DSPP-related conditions. An algorithm developed to predict the effect of missense changes on protein structure and function (PolyPhen-2) suggests that this variant is likely to be disruptive. In summary, the available evidence is currently insufficient to determine the role of this variant in disease. Therefore, it has been classified as a Variant of Uncertain Significance.